The following is an entry in ClinVar:

ClinVar aggregate classification (germline): Uncertain significance (1 of 4 stars; one submission).

Conditions:
ARMC5-related disorder. Also called: ARMC5-related condition.

Submission:

PreventionGenetics, part of Exact Sciences
Classification: Uncertain significance for ARMC5-related condition. Last evaluated: 2026-08-26. Review status: criteria provided, single submitter. Criteria: ACMG Guidelines, 2015. Collection method: clinical testing. Allele origin: germline.
Comment: The ARMC5 c.2327C>T variant is predicted to result in the amino acid substitution p.Ala776Val. To our knowledge, this variant has not been reported in the literature. This variant is reported in 0.0056% of alleles in individuals of East Asian descent in gnomAD. At this time, the clinical significance of this variant is uncertain due to the absence of conclusive functional and genetic evidence.

NM_001105247.2(ARMC5):c.2327C>T (p.Ala776Val)

Gene: ARMC5 (armadillo repeat containing 5; plus strand). Cytogenetic location: 16p11.2.
Variant type: single nucleotide variant.
Coding change: c.2327C>T on transcript NM_001105247.2 (MANE Select); coding-DNA position 2327, C replaced by T.
Protein change: p.Ala776Val; replaces alanine 776 with valine.
Molecular consequence: missense variant. On other transcripts: 3 prime UTR variant (1).
Genome position (GRCh38, 1-based): chr16:31,466,408, C>T. VCF-style: chr16-31466408-C-T. GRCh37 (hg19) VCF-style: chr16-31477729-C-T.
Other names: c.2612C>T, p.Ala871Val (NM_001288767.2); c.2423C>T, p.Ala808Val (NM_001301820.1); c.*1207C>T (NM_024742.2); short protein forms A871V, A776V, A808V.
Identifiers: ClinVar variation 4989488 (VCV004989488.1).